The following is an entry in ClinVar:

NM_004525.3(LRP2):c.10571+5G>A

Gene: LRP2 (LDL receptor related protein 2; minus strand). Cytogenetic location: 2q31.1.
Variant type: single nucleotide variant.
Coding change: c.10571+5G>A on transcript NM_004525.3 (MANE Select); 5 bases into the intron after coding-DNA position 10571, G replaced by A.
Molecular consequence: intron variant.
Genome position (GRCh38, 1-based): chr2:169,176,406, C>T on the plus strand (G>A on the coding strand, the complement: LRP2 is on the minus strand). VCF-style: chr2-169176406-C-T. GRCh37 (hg19) VCF-style: chr2-170032916-C-T.
Identifiers: ClinVar variation 1708113 (VCV001708113.3), dbSNP rs1434174057, ClinGen allele CA537544831.

ClinVar aggregate classification (germline): Conflicting classifications of pathogenicity. Review status: criteria provided, conflicting classifications (1 of 4 stars). 2 submissions from 2 submitters: Uncertain significance (1); Likely benign (1). Last evaluated 2022-06-27.

Conditions:
Donnai-Barrow syndrome. Also called: DBS/FOAR SYNDROME; FACIOOCULOACOUSTICORENAL SYNDROME. Identifiers: Orphanet 2143, MedGen C1857277, MONDO:0009104, OMIM 222448.

Allele frequency attached by ClinVar (database versions not stated): gnomAD 0.00001; gnomAD exomes 0.00001; TOPMed 0.00001.
gnomAD v4.1: 9 of 1,613,996 alleles (0.00056%); highest among the groups gnomAD compares: Non-Finnish European, 0.00076%; no homozygotes.

Submissions (2):

Laboratory of Medical Genetics, National & Kapodistrian University of Athens
Classification: Likely benign for Donnai-Barrow syndrome. Last evaluated: 2022-06-27. Review status: criteria provided, single submitter. Criteria: ACMG Guidelines, 2015. Collection method: clinical testing. Allele origin: paternal. Affected: yes.
Comment: PM2, PP3, BS2

Labcorp Genetics (formerly Invitae), Labcorp
Classification: Uncertain significance. Last evaluated: 2022-04-11. Review status: criteria provided, single submitter. Criteria: Invitae Variant Classification Sherloc (09022015). Collection method: clinical testing. Allele origin: germline.
Comment: This sequence change falls in intron 54 of the LRP2 gene. It does not directly change the encoded amino acid sequence of the LRP2 protein. It affects a nucleotide within the consensus splice site. This variant is not present in population databases (gnomAD no frequency). This variant has not been reported in the literature in individuals affected with LRP2-related conditions. Variants that disrupt the consensus splice site are a relatively common cause of aberrant splicing (PMID: 17576681, 9536098). Algorithms developed to predict the effect of sequence changes on RNA splicing suggest that this variant may create or strengthen a splice site. In summary, the available evidence is currently insufficient to determine the role of this variant in disease. Therefore, it has been classified as a Variant of Uncertain Significance.

Literature cited by the submitters: PubMed 17576681 (cited by Labcorp Genetics (formerly Invitae), Labcorp); PubMed 9536098 (cited by Labcorp Genetics (formerly Invitae), Labcorp).